The following is an entry in ClinVar:

NM_006172.4(NPPA):c.350C>T (p.Ala117Val)

Genes: NPPA (natriuretic peptide A; minus strand), NPPA-AS1 (NPPA antisense RNA 1; plus strand), LOC114827827 (VISTA enhancer hs2123; plus strand). Cytogenetic location: 1p36.22.
Variant type: single nucleotide variant.
Coding change: c.350C>T on transcript NM_006172.4 (MANE Select); coding-DNA position 350, C replaced by T.
Protein change: p.Ala117Val; replaces alanine 117 with valine.
Molecular consequence: missense variant.
Genome position (GRCh38, 1-based): chr1:11,847,213, G>A on the plus strand (C>T on the coding strand, the complement: NPPA is on the minus strand). VCF-style: chr1-11847213-G-A. GRCh37 (hg19) VCF-style: chr1-11907270-G-A.
Other names: c.350C>T (LRG_751t1); short protein forms A117V.
Identifiers: ClinVar variation 643252 (VCV000643252.6), dbSNP rs72639212, ClinGen allele CA597024.

ClinVar aggregate classification (germline): Uncertain significance (1 of 4 stars; one submission).

Conditions:
Atrial fibrillation, familial, 6 (ATFB6). Identifiers: MedGen C2677294, MONDO:0012816, OMIM 612201.

Allele frequency attached by ClinVar (database versions not stated): gnomAD 0.00003 and 0.00004; TOPMed 0.00004.
gnomAD v4.1: 58 of 1,611,196 alleles (0.0036%); highest among the groups gnomAD compares: Non-Finnish European, 0.0042%; no homozygotes.

Submission:

Labcorp Genetics (formerly Invitae), Labcorp
Classification: Uncertain significance for Atrial fibrillation, familial, 6. Last evaluated: 2025-06-14. Review status: criteria provided, single submitter. Criteria: Invitae Variant Classification Sherloc (09022015). Collection method: clinical testing. Allele origin: germline.
Comment: This sequence change replaces alanine, which is neutral and non-polar, with valine, which is neutral and non-polar, at codon 117 of the NPPA protein (p.Ala117Val). This variant is present in population databases (rs72639212, gnomAD 0.009%). This missense change has been observed in individual(s) with lone atrial fibrillation (PMID: 22818067). ClinVar contains an entry for this variant (Variation ID: 643252). An algorithm developed to predict the effect of missense changes on protein structure and function (PolyPhen-2) suggests that this variant is likely to be tolerated. In summary, the available evidence is currently insufficient to determine the role of this variant in disease. Therefore, it has been classified as a Variant of Uncertain Significance.

Literature cited by the submitters: PubMed 22818067.